The following is an entry in ClinVar:

NM_006231.4(POLE):c.3307C>A (p.Pro1103Thr)

Gene: POLE (DNA polymerase epsilon, catalytic subunit; minus strand). Cytogenetic location: 12q24.33.
Variant type: single nucleotide variant.
Coding change: c.3307C>A on transcript NM_006231.4 (MANE Select); coding-DNA position 3307, C replaced by A.
Protein change: p.Pro1103Thr; replaces proline 1103 with threonine.
Molecular consequence: missense variant.
Genome position (GRCh38, 1-based): chr12:132,657,939, G>T on the plus strand (C>A on the coding strand, the complement: POLE is on the minus strand). VCF-style: chr12-132657939-G-T. GRCh37 (hg19) VCF-style: chr12-133234525-G-T.
Other names: short protein forms P1103T.
Identifiers: ClinVar variation 2717119 (VCV002717119.3), dbSNP rs2138663604, ClinGen allele CA387389745.

ClinVar aggregate classification (germline): Uncertain significance (1 of 4 stars; one submission).

Submission:

Labcorp Genetics (formerly Invitae), Labcorp
Classification: Uncertain significance. Last evaluated: 2023-06-16. Review status: criteria provided, single submitter. Criteria: Invitae Variant Classification Sherloc (09022015). Collection method: clinical testing. Allele origin: germline.
Comment: This variant has not been reported in the literature in individuals affected with POLE-related conditions. This sequence change replaces proline, which is neutral and non-polar, with threonine, which is neutral and polar, at codon 1103 of the POLE protein (p.Pro1103Thr). This variant is not present in population databases (gnomAD no frequency). Advanced modeling of protein sequence and biophysical properties (such as structural, functional, and spatial information, amino acid conservation, physicochemical variation, residue mobility, and thermodynamic stability) performed at Invitae indicates that this missense variant is not expected to disrupt POLE protein function. In summary, the available evidence is currently insufficient to determine the role of this variant in disease. Therefore, it has been classified as a Variant of Uncertain Significance.